The following is an entry in ClinVar:

ClinVar aggregate classification (germline): Conflicting classifications of pathogenicity. Review status: criteria provided, conflicting classifications (1 of 4 stars). 3 submissions from 3 submitters: Uncertain significance (1); Likely benign (2). Last evaluated 2025-07-01.

Conditions:
Rolandic epilepsy, impaired intellectual development, and speech dyspraxia, X-linked. Also called: Rolandic epilepsy, intellectual disability, and speech dyspraxia, X-linked; Rolandic epilepsy, impaired intellectual development, and speech dyspraxia. Identifiers: MedGen C1845070, MONDO:0010388, OMIM 300643.

Allele frequency attached by ClinVar (database versions not stated): gnomAD below 0.00001 and 0.00007; TOPMed 0.00003; gnomAD exomes 0.00016 and 0.00021; ExAC 0.00023; 1000 Genomes Project 30x 0.00062; 1000 Genomes Project 0.00079.
gnomAD v4.1: 176 of 1,209,064 alleles (0.015%); highest among the groups gnomAD compares: South Asian, 0.3%; 2 homozygotes.

Submissions (3):

Ambry Genetics
Classification: Uncertain significance. Last evaluated: 2025-07-01. Review status: criteria provided, single submitter. Criteria: Ambry Variant Classification Scheme 2023. Collection method: clinical testing. Allele origin: germline.

Labcorp Genetics (formerly Invitae), Labcorp
Classification: Likely benign for Rolandic epilepsy, impaired intellectual development, and speech dyspraxia, X-linked. Last evaluated: 2025-06-23. Review status: criteria provided, single submitter. Criteria: Invitae Variant Classification Sherloc (09022015). Collection method: clinical testing. Allele origin: germline.

GeneDx
Classification: Likely benign. Last evaluated: 2016-07-12. Review status: criteria provided, single submitter. Criteria: GeneDx Variant Classification (06012015). Collection method: clinical testing. Allele origin: germline. Affected: yes.
Comment: This variant is considered likely benign or benign based on one or more of the following criteria: it is a conservative change, it occurs at a poorly conserved position in the protein, it is predicted to be benign by multiple in silico algorithms, and/or has population frequency not consistent with disease.

NM_014467.3(SRPX2):c.928C>T (p.Arg310Cys)

Gene: SRPX2 (sushi repeat containing protein X-linked 2; plus strand). Cytogenetic location: Xq22.1.
Variant type: single nucleotide variant.
Coding change: c.928C>T on transcript NM_014467.3 (MANE Select); coding-DNA position 928, C replaced by T.
Protein change: p.Arg310Cys; replaces arginine 310 with cysteine.
Molecular consequence: missense variant.
Genome position (GRCh38, 1-based): chrX:100,666,900, C>T. VCF-style: chrX-100666900-C-T. GRCh37 (hg19) VCF-style: chrX-99921897-C-T.
Other names: p.R310C:CGC>TGC; short protein forms R310C.
Identifiers: ClinVar variation 207400 (VCV000207400.11), dbSNP rs758448998, ClinGen allele CA318825.